The following is an entry in ClinVar:

NM_024685.4(BBS10):c.1696A>C (p.Asn566His)

Gene: BBS10 (Bardet-Biedl syndrome 10; minus strand). Cytogenetic location: 12q21.2.
Variant type: single nucleotide variant.
Coding change: c.1696A>C on transcript NM_024685.4 (MANE Select); coding-DNA position 1696, A replaced by C.
Protein change: p.Asn566His; replaces asparagine 566 with histidine.
Molecular consequence: missense variant.
Genome position (GRCh38, 1-based): chr12:76,346,289, T>G on the plus strand (A>C on the coding strand, the complement: BBS10 is on the minus strand). VCF-style: chr12-76346289-T-G. GRCh37 (hg19) VCF-style: chr12-76740069-T-G.
Other names: short protein forms N566H.
Identifiers: ClinVar variation 1515337 (VCV001515337.6), dbSNP rs144402299, ClinGen allele CA385810487.
Genomic context (GRCh38, chr12:76,346,289, plus strand): 5'-AAGTACCCATATTCGGTAACTTACAGCTCACTGGTAACATGCTTCCCTTTCTAGTAATAT[T>G]TGTGACCTGTAAATTTTCGTAAGAAATTTCTATTCTATTTCCCCTTGTTGAATAAGCAGT-3'
Protein context (NP_078961.3, residues 556-576): EISYENLQVT[Asn566His]ITRKGSMLPV

ClinVar aggregate classification (germline): Uncertain significance. Review status: criteria provided, multiple submitters, no conflicts (2 of 4 stars). 2 submissions from 2 submitters: Uncertain significance (2). Last evaluated 2022-05-12.

Conditions:
Bardet-Biedl syndrome (BBS). Identifiers: Orphanet 110, MedGen C0752166, MONDO:0015229.
Bardet-Biedl syndrome 10 (BBS10). Identifiers: Orphanet 110, MedGen C1859568, MONDO:0014438, OMIM 615987.

gnomAD v4.1: 2 of 1,613,618 alleles (0.00012%); highest among the groups gnomAD compares: Non-Finnish European, 0.00017%; no homozygotes.

Submissions (2):

Fulgent Genetics
Classification: Uncertain significance for Bardet-Biedl syndrome 10. Last evaluated: 2022-05-12. Review status: criteria provided, single submitter. Criteria: ACMG Guidelines, 2015. Collection method: clinical testing. Allele origin: unknown.

Labcorp Genetics (formerly Invitae), Labcorp
Classification: Uncertain significance for Bardet-Biedl syndrome. Last evaluated: 2021-09-24. Review status: criteria provided, single submitter. Criteria: Invitae Variant Classification Sherloc (09022015). Collection method: clinical testing. Allele origin: germline.
Comment: This sequence change replaces asparagine with histidine at codon 566 of the BBS10 protein (p.Asn566His). The asparagine residue is weakly conserved and there is a small physicochemical difference between asparagine and histidine. This variant is not present in population databases (ExAC no frequency). This variant has not been reported in the literature in individuals affected with BBS10-related conditions. Algorithms developed to predict the effect of missense changes on protein structure and function (SIFT, PolyPhen-2, Align-GVGD) all suggest that this variant is likely to be tolerated. In summary, the available evidence is currently insufficient to determine the role of this variant in disease. Therefore, it has been classified as a Variant of Uncertain Significance.